The following continues an entry in ClinVar:

NM_005359.6(SMAD4):c.1573A>G (p.Ile525Val)

Gene: SMAD4. ClinVar aggregate classification (germline): Benign/Likely benign. Benign (8); Likely benign (15).

Submissions 21 to 33 of 33:

Illumina Laboratory Services, Illumina
Classification: Likely benign for Juvenile polyposis/hereditary hemorrhagic telangiectasia syndrome. Last evaluated: 2017-04-27. Review status: criteria provided, single submitter. Criteria: ICSL Variant Classification Criteria 13 December 2019. Collection method: clinical testing. Allele origin: germline.
Comment: This variant was observed as part of a predisposition screen in an ostensibly healthy population. A literature search was performed for the gene, cDNA change, and amino acid change (where applicable). No publications were found based on this search. Allele frequency data from public databases allowed determination this variant is unlikely to cause disease. Therefore, this variant is classified as likely benign.

Illumina Laboratory Services, Illumina
Classification: Likely benign for Juvenile polyposis syndrome. Last evaluated: 2017-04-27. Review status: criteria provided, single submitter. Criteria: ICSL Variant Classification Criteria 13 December 2019. Collection method: clinical testing. Allele origin: germline.
Comment: the same text as in the submission from Illumina Laboratory Services, Illumina above.

Illumina Laboratory Services, Illumina
Classification: Likely benign for Myhre syndrome. Last evaluated: 2017-04-27. Review status: criteria provided, single submitter. Criteria: ICSL Variant Classification Criteria 13 December 2019. Collection method: clinical testing. Allele origin: germline.
Comment: the same text as in the submission from Illumina Laboratory Services, Illumina above.

University of Washington Department of Laboratory Medicine, University of Washington
Classification: Benign for Juvenile polyposis/hereditary hemorrhagic telangiectasia syndrome. Last evaluated: 2019-05-24. Review status: no assertion criteria provided. Collection method: research. Allele origin: germline. Affected: no. Not counted in ClinVar's aggregate classification.
Comment: Individuals in one family that had colon polyps did not have this variant. This variant has been reported at a frequency of 1 in 900 individuals. Variants present at this population frequency are unlikely to be associated with high penetrance hereditary cancer risk. Computer software programs predict that this variant does not impact protein function. This variant has been classified as likely benign or benign by other clinical laboratories. Bayesian analysis integrating all of this data (PMID: 29300386) gives less than 1% probability of pathogenicity, which is consistent with a classification of benign. This analysis was performed in conjunction with the family studies as part of the University of Washington Find My Variant study.

Counsyl
Classification: Uncertain significance for Juvenile polyposis syndrome. Last evaluated: 2017-01-18. Review status: no assertion criteria provided. Collection method: clinical testing. Allele origin: unknown. Not counted in ClinVar's aggregate classification.

CSER _CC_NCGL, University of Washington
Classification: Likely benign for Gastrointestinal polyposis. Last evaluated: 2014-06-01. Review status: no assertion criteria provided. Collection method: research. Allele origin: germline. Inheritance: Autosomal dominant inheritance. Study: ESP 6500 variant annotation. Not counted in ClinVar's aggregate classification.
Comment: Variants classified for the Actionable exomic incidental findings in 6503 participants: challenges of variant classification manuscript

Biesecker Lab/Clinical Genomics Section, National Institutes of Health
Classification: Uncertain significance. Last evaluated: 2012-07-13. Review status: no assertion criteria provided. Collection method: research. Allele origin: germline. Affected: no. Observed: 2 variant alleles. Study: ClinSeq. Not counted in ClinVar's aggregate classification.
ClinVar note: Converted during submission from variant of unknown significance to Uncertain significance.

Clinical Genetics DNA and cytogenetics Diagnostics Lab, Erasmus MC, Erasmus Medical Center
Classification: Likely benign. Review status: no assertion criteria provided. Collection method: clinical testing. Allele origin: germline. Affected: yes. Study: VKGL Data-share Consensus. Not counted in ClinVar's aggregate classification.

Clinical Genetics, Academic Medical Center
Classification: Likely benign. Review status: no assertion criteria provided. Collection method: clinical testing. Allele origin: germline. Affected: yes. Study: VKGL Data-share Consensus. Not counted in ClinVar's aggregate classification.

Genome Diagnostics Laboratory, Amsterdam University Medical Center
Classification: Likely benign. Review status: no assertion criteria provided. Collection method: clinical testing. Allele origin: germline. Affected: yes. Study: VKGL Data-share Consensus. Not counted in ClinVar's aggregate classification.

Genome Diagnostics Laboratory, University Medical Center Utrecht
Classification: Likely benign. Review status: no assertion criteria provided. Collection method: clinical testing. Allele origin: germline. Affected: yes. Study: VKGL Data-share Consensus. Not counted in ClinVar's aggregate classification.

Joint Genome Diagnostic Labs from Nijmegen and Maastricht, Radboudumc and MUMC+
Classification: Likely benign. Review status: no assertion criteria provided. Collection method: clinical testing. Allele origin: germline. Affected: yes. Study: VKGL Data-share Consensus. Not counted in ClinVar's aggregate classification.

Laboratory of Diagnostic Genome Analysis, Leiden University Medical Center (LUMC)
Classification: Likely benign. Review status: no assertion criteria provided. Collection method: clinical testing. Allele origin: germline. Affected: yes. Study: VKGL Data-share Consensus. Not counted in ClinVar's aggregate classification.

Literature cited by the submitters: PubMed 20301642 (cited by Center for Genomic Medicine, Rigshospitalet, Copenhagen University Hospital); PubMed 21835029 (cited by 4 submitters); PubMed 23399955 (cited by 4 submitters); PubMed 25186627 (cited by 4 submitters); PubMed 25318351 (cited by 4 submitters); PubMed 25980754 (cited by 3 submitters); PubMed 27443514 (cited by 3 submitters); PubMed 27153395 (cited by 3 submitters); PubMed 32573726 (cited by 3 submitters); PubMed 25148578 (cited by Quest Diagnostics Nichols Institute San Juan Capistrano and Women's Health and Genetics/Laboratory Corporation of America, LabCorp); PubMed 25637381 (cited by Quest Diagnostics Nichols Institute San Juan Capistrano and Counsyl); PubMed 25589618 (cited by Women's Health and Genetics/Laboratory Corporation of America, LabCorp); PubMed 28196074 (cited by Women's Health and Genetics/Laboratory Corporation of America, LabCorp); PubMed 30842500 (cited by Women's Health and Genetics/Laboratory Corporation of America, LabCorp).